The following is an entry in ClinVar:

ClinVar aggregate classification (germline): Uncertain significance (1 of 4 stars; one submission).

Conditions:
Hypokalemic periodic paralysis, type 1. Also called: HypoPP; Hypokalemic Periodic Paralysis Type 1 (AD). Identifiers: Orphanet 681, MedGen C3714580, MONDO:0042979, OMIM 170400.
Malignant hyperthermia, susceptibility to, 5 (MHS5). Also called: CACNA1S-Related Malignant Hyperthermia Susceptibility. Identifiers: Orphanet 423, MedGen C1866077, MONDO:0011163, OMIM 601887.

Submission:

Labcorp Genetics (formerly Invitae), Labcorp
Classification: Uncertain significance for Hypokalemic periodic paralysis, type 1; Malignant hyperthermia, susceptibility to, 5. Last evaluated: 2022-06-05. Review status: criteria provided, single submitter. Criteria: Invitae Variant Classification Sherloc (09022015). Collection method: clinical testing. Allele origin: germline.
Comment: This sequence change replaces histidine, which is basic and polar, with glutamine, which is neutral and polar, at codon 1714 of the CACNA1S protein (p.His1714Gln). This variant is not present in population databases (gnomAD no frequency). This variant has not been reported in the literature in individuals affected with CACNA1S-related conditions. ClinVar contains an entry for this variant (Variation ID: 1426923). Advanced modeling of protein sequence and biophysical properties (such as structural, functional, and spatial information, amino acid conservation, physicochemical variation, residue mobility, and thermodynamic stability) performed at Invitae indicates that this missense variant is not expected to disrupt CACNA1S protein function. In summary, the available evidence is currently insufficient to determine the role of this variant in disease. Therefore, it has been classified as a Variant of Uncertain Significance.

NM_000069.3(CACNA1S):c.5142C>A (p.His1714Gln)

Gene: CACNA1S (calcium voltage-gated channel subunit alpha1 S; minus strand). Cytogenetic location: 1q32.1.
Variant type: single nucleotide variant.
Coding change: c.5142C>A on transcript NM_000069.3 (MANE Select); coding-DNA position 5142, C replaced by A.
Protein change: p.His1714Gln; replaces histidine 1714 with glutamine.
Molecular consequence: missense variant.
Genome position (GRCh38, 1-based): chr1:201,040,706, G>T on the plus strand (C>A on the coding strand, the complement: CACNA1S is on the minus strand). VCF-style: chr1-201040706-G-T. GRCh37 (hg19) VCF-style: chr1-201009834-G-T.
Other names: short protein forms H1714Q.
Identifiers: ClinVar variation 1426923 (VCV001426923.3), dbSNP rs1558048972, ClinGen allele CA344132448.